The following is an entry in ClinVar:

NM_000368.5(TSC1):c.1943T>A (p.Val648Glu)

Gene: TSC1 (TSC complex subunit 1; minus strand). Cytogenetic location: 9q34.13.
Variant type: single nucleotide variant.
Coding change: c.1943T>A on transcript NM_000368.5 (MANE Select); coding-DNA position 1943, T replaced by A.
Protein change: p.Val648Glu; replaces valine 648 with glutamic acid.
Molecular consequence: missense variant. On other transcripts: non-coding transcript variant (5).
Genome position (GRCh38, 1-based): chr9:132,905,635, A>T on the plus strand (T>A on the coding strand, the complement: TSC1 is on the minus strand). VCF-style: chr9-132905635-A-T. GRCh37 (hg19) VCF-style: chr9-135781022-A-T.
Other names: c.1940T>A, p.Val647Glu (NM_001406603.1, NM_001406604.1, NM_001406608.1 and 6 more transcripts); c.1943T>A, p.Val648Glu (NM_001406605.1, NM_001406606.1, NM_001406607.1 and 7 more transcripts); c.1790T>A, p.Val597Glu (NM_001406610.1, NM_001162427.2); c.1787T>A, p.Val596Glu (NM_001406611.1, NM_001406612.1, NM_001406613.1); c.1580T>A, p.Val527Glu (NM_001362177.2, NM_001406614.1, NM_001406615.1 and 5 more transcripts); c.1577T>A, p.Val526Glu (NM_001406620.1, NM_001406621.1, NM_001406622.1 and 2 more transcripts); c.992T>A, p.Val331Glu (NM_001406626.1); c.989T>A, p.Val330Glu (NM_001406627.1, NM_001406628.1); and 1 more; short protein forms V297E, V330E, V331E, V526E, V527E, V596E, V597E, V647E.
Identifiers: ClinVar variation 4810542 (VCV004810542.1).
Genomic context (GRCh38, chr9:132,905,635, plus strand): 5'-CCTTACTTGTTCAGCTCCTTGCTGTGCGCGTCTGCTCCCTGCTGTATCAGTCTGTCCAGC[A>T]CTTCCATTGGGGAGGTAGAGGGCACACCATCTTCCTCTGTGTTTCCTTTTGCTTTCTTTA-3'
Protein context (NP_000359.1, residues 638-658): DGVPSTSPME[Val648Glu]LDRLIQQGAD

ClinVar aggregate classification (germline): Uncertain significance (1 of 4 stars; one submission).

Conditions:
Tuberous sclerosis 1 (TSC1). Identifiers: Orphanet 805, MedGen C1854465, MONDO:0008612, OMIM 191100.

Submission:

Labcorp Genetics (formerly Invitae), Labcorp
Classification: Uncertain significance for Tuberous sclerosis 1. Last evaluated: 2026-01-11. Review status: criteria provided, single submitter. Criteria: Invitae Variant Classification Sherloc (09022015). Collection method: clinical testing. Allele origin: germline.
Comment: This sequence change replaces valine, which is neutral and non-polar, with glutamic acid, which is acidic and polar, at codon 648 of the TSC1 protein (p.Val648Glu). This variant is not present in population databases (gnomAD no frequency). This variant has not been reported in the literature in individuals affected with TSC1-related conditions. Invitae Evidence Modeling of protein sequence and biophysical properties (such as structural, functional, and spatial information, amino acid conservation, physicochemical variation, residue mobility, and thermodynamic stability) indicates that this missense variant is not expected to disrupt TSC1 protein function with a negative predictive value of 95%. In summary, the available evidence is currently insufficient to determine the role of this variant in disease. Therefore, it has been classified as a Variant of Uncertain Significance.